The following is an entry in ClinVar:

ClinVar aggregate classification (germline): Benign (1 of 4 stars; one submission).

Conditions:
Leigh syndrome (NULS). Also called: Leigh's necrotizing encephalopathy; Leigh's disease; Leigh Syndrome (mtDNA deletion); Leigh Disease; Subacute necrotizing encephalopathy; Necrotizing encephalopathy infantile subacute of Leigh. Identifiers: Orphanet 506, MedGen C2931891, MONDO:0009723, OMIM 256000.

Submission:

Wong Mito Lab, Molecular and Human Genetics, Baylor College of Medicine
Classification: Benign for Leigh syndrome. Last evaluated: 2019-10-17. Review status: criteria provided, single submitter. Criteria: Modified ACMG Guidelines (Unpublished). Collection method: clinical testing. Allele origin: germline.
Comment: The NC_012920.1:m.9211C>T (YP_003024032.1:p.Thr2Ile) variant in MTCO3 gene is interpretated to be a Benign variant based on the modified ACMG guidelines (unpublished). This variant meets the following evidence codes: BS1, BS2, BP4

NC_012920.1(MT-CO3):m.9211C>T

Gene: MT-CO3 (mitochondrially encoded cytochrome c oxidase III; plus strand).
Variant type: single nucleotide variant.
Genome position: chrM-9211-C-T.
Identifiers: ClinVar variation 693126 (VCV000693126.1), dbSNP rs1603222177, ClinGen allele CA414802440.